The following is an entry in ClinVar:

ClinVar aggregate classification (germline): Uncertain significance (1 of 4 stars; one submission).

gnomAD v4.1: 1 of 1,549,416 alleles (0.000065%); highest among the groups gnomAD compares: Non-Finnish European, 0.000087%; no homozygotes.

Submission:

Labcorp Genetics (formerly Invitae), Labcorp
Classification: Uncertain significance. Last evaluated: 2025-08-09. Review status: criteria provided, single submitter. Criteria: Invitae Variant Classification Sherloc (09022015). Collection method: clinical testing. Allele origin: germline.
Comment: This sequence change replaces leucine, which is neutral and non-polar, with valine, which is neutral and non-polar, at codon 247 of the TBXA2R protein (p.Leu247Val). This variant is not present in population databases (gnomAD no frequency). This variant has not been reported in the literature in individuals affected with TBXA2R-related conditions. Invitae Evidence Modeling of protein sequence and biophysical properties (such as structural, functional, and spatial information, amino acid conservation, physicochemical variation, residue mobility, and thermodynamic stability) has been performed for this missense variant. However, the output from this modeling did not meet the statistical confidence thresholds required to predict the impact of this variant on TBXA2R protein function. In summary, the available evidence is currently insufficient to determine the role of this variant in disease. Therefore, it has been classified as a Variant of Uncertain Significance.

NM_001060.6(TBXA2R):c.739C>G (p.Leu247Val)

Gene: TBXA2R (thromboxane A2 receptor; minus strand). Cytogenetic location: 19p13.3.
Variant type: single nucleotide variant.
Coding change: c.739C>G on transcript NM_001060.6 (MANE Select); coding-DNA position 739, C replaced by G.
Protein change: p.Leu247Val; replaces leucine 247 with valine.
Molecular consequence: missense variant.
Genome position (GRCh38, 1-based): chr19:3,599,896, G>C on the plus strand (C>G on the coding strand, the complement: TBXA2R is on the minus strand). VCF-style: chr19-3599896-G-C. GRCh37 (hg19) VCF-style: chr19-3599894-G-C.
Other names: c.739C>G, p.Leu247Val (NM_201636.3); short protein forms L247V.
Identifiers: ClinVar variation 4745439 (VCV004745439.1).